The following is an entry in ClinVar:

ClinVar aggregate classification (germline): Uncertain significance (1 of 4 stars; one submission).

Conditions:
Familial thoracic aortic aneurysm and aortic dissection (TAAD). Also called: Thoracic aortic aneurysms and dissections. Identifiers: Orphanet 91387, MedGen C4707243, MONDO:0019625.

Submission:

Labcorp Genetics (formerly Invitae), Labcorp
Classification: Uncertain significance for Familial thoracic aortic aneurysm and aortic dissection. Last evaluated: 2026-01-18. Review status: criteria provided, single submitter. Criteria: Invitae Variant Classification Sherloc (09022015). Collection method: clinical testing. Allele origin: germline.
Comment: This sequence change replaces threonine, which is neutral and polar, with alanine, which is neutral and non-polar, at codon 458 of the TGFBR2 protein (p.Thr458Ala). This variant is not present in population databases (gnomAD no frequency). This variant has not been reported in the literature in individuals affected with TGFBR2-related conditions. Invitae Evidence Modeling of protein sequence and biophysical properties (such as structural, functional, and spatial information, amino acid conservation, physicochemical variation, residue mobility, and thermodynamic stability) indicates that this missense variant is not expected to disrupt TGFBR2 protein function with a negative predictive value of 95%. In summary, the available evidence is currently insufficient to determine the role of this variant in disease. Therefore, it has been classified as a Variant of Uncertain Significance.

NM_003242.6(TGFBR2):c.1372A>G (p.Thr458Ala)

Gene: TGFBR2 (transforming growth factor beta receptor 2; plus strand). Cytogenetic location: 3p24.1.
Variant type: single nucleotide variant.
Coding change: c.1372A>G on transcript NM_003242.6 (MANE Select); coding-DNA position 1372, A replaced by G.
Protein change: p.Thr458Ala; replaces threonine 458 with alanine.
Molecular consequence: missense variant. On other transcripts: intron variant (1).
Genome position (GRCh38, 1-based): chr3:30,674,222, A>G. VCF-style: chr3-30674222-A-G. GRCh37 (hg19) VCF-style: chr3-30715714-A-G.
Other names: c.1447A>G, p.Thr483Ala (NM_001024847.3); c.1555A>G, p.Thr519Ala (NM_001407126.1); c.1480A>G, p.Thr494Ala (NM_001407127.1); c.1399A>G, p.Thr467Ala (NM_001407128.1); c.1375A>G, p.Thr459Ala (NM_001407129.1); c.1372A>G, p.Thr458Ala (NM_001407130.1); c.1267A>G, p.Thr423Ala (NM_001407132.1, NM_001407133.1, NM_001407134.1 and 2 more transcripts); c.1087A>G, p.Thr363Ala (NM_001407137.1); and 2 more; short protein forms T338A, T363A, T423A, T458A, T459A, T467A, T483A, T494A.
Identifiers: ClinVar variation 4809055 (VCV004809055.1).